The following is an entry in ClinVar:

NM_000089.4(COL1A2):c.1124G>T (p.Ser375Ile)

Gene: COL1A2 (collagen type I alpha 2 chain; plus strand). Cytogenetic location: 7q21.3.
Variant type: single nucleotide variant.
Coding change: c.1124G>T on transcript NM_000089.4 (MANE Select); coding-DNA position 1124, G replaced by T.
Protein change: p.Ser375Ile; replaces serine 375 with isoleucine.
Molecular consequence: missense variant.
Genome position (GRCh38, 1-based): chr7:94,410,454, G>T. VCF-style: chr7-94410454-G-T. GRCh37 (hg19) VCF-style: chr7-94039766-G-T.
Other names: short protein forms S375I.
Identifiers: ClinVar variation 2113256 (VCV002113256.4), dbSNP rs960097072, ClinGen allele CA368221202.

ClinVar aggregate classification (germline): Uncertain significance (1 of 4 stars; one submission).

Conditions:
Ehlers-Danlos syndrome, classic type, 1 (EDSCL1). Also called: EHLERS-DANLOS SYNDROME, GRAVIS TYPE; EHLERS-DANLOS SYNDROME, SEVERE CLASSIC TYPE; Ehlers-Danlos syndrome, type 1; EDS I; Ehlers-Danlos Syndrome, Classic Type, COL5A1-Related. Identifiers: MedGen C0268335, MONDO:0019567, OMIM 130000.
Osteogenesis imperfecta type I (OI1). Also called: OI, TYPE I; OSTEOGENESIS IMPERFECTA TARDA; OSTEOGENESIS IMPERFECTA WITH BLUE SCLERAE; Osteogenesis imperfecta type 1; Lobstein's Disease; Lobstein disease. Identifiers: Orphanet 216796, Orphanet 666, MedGen C0023931, MONDO:0008146, OMIM 166200. Disease mechanism: loss of function.

gnomAD v4.1: 1 of 1,551,174 alleles (0.000064%); highest among the groups gnomAD compares: East Asian, 0.0024%; no homozygotes.

Submission:

Labcorp Genetics (formerly Invitae), Labcorp
Classification: Uncertain significance for Osteogenesis imperfecta type I; Ehlers-Danlos syndrome, classic type, 1. Last evaluated: 2022-03-17. Review status: criteria provided, single submitter. Criteria: Invitae Variant Classification Sherloc (09022015). Collection method: clinical testing. Allele origin: germline.
Comment: This sequence change replaces serine, which is neutral and polar, with isoleucine, which is neutral and non-polar, at codon 375 of the COL1A2 protein (p.Ser375Ile). This variant is not present in population databases (gnomAD no frequency). This variant has not been reported in the literature in individuals affected with COL1A2-related conditions. Advanced modeling of protein sequence and biophysical properties (such as structural, functional, and spatial information, amino acid conservation, physicochemical variation, residue mobility, and thermodynamic stability) performed at Invitae indicates that this missense variant is not expected to disrupt COL1A2 protein function. In summary, the available evidence is currently insufficient to determine the role of this variant in disease. Therefore, it has been classified as a Variant of Uncertain Significance.